The following is an entry in ClinVar:

ClinVar aggregate classification (germline): Likely pathogenic (1 of 4 stars; one submission).

Conditions:
Hereditary spastic paraplegia 54. Also called: Spastic paraplegia 54, autosomal recessive. Identifiers: Orphanet 320380, MedGen C3539495, MONDO:0014018, OMIM 615033.

Submission:

Variantyx, Inc.
Classification: Likely pathogenic for Hereditary spastic paraplegia 54. Last evaluated: 2025-08-13. Review status: criteria provided, single submitter. Criteria: Variantyx Assertion Criteria 2022. Collection method: clinical testing. Allele origin: germline. Inheritance: Autosomal recessive inheritance. Affected: yes.
Comment: This is a frameshift variant in the DDHD2 gene (OMIM: 615003). Pathogenic variants in this gene have been associated with autosomal recessive spastic paraplegia 54. This variant introduces a premature termination codon in exon 8 out of 18 and is expected to result in loss of function, which is a known disease mechanism for DDHD2 in this disorder (PMID: 23486545) (PVS1). This variant is absent from control populations (PM2). Based on the current evidence, this variant is classified as likely pathogenic for autosomal recessive spastic paraplegia 54.

Literature cited by the submitters: PubMed 23486545.

NM_015214.3(DDHD2):c.1031del (p.Gly344fs)

Gene: DDHD2 (DDHD domain containing 2; plus strand). Cytogenetic location: 8p11.23.
Variant type: Deletion.
Coding change: c.1031del on transcript NM_015214.3 (MANE Select); coding-DNA position 1031, one base deleted (G; older notation c.1031delG).
Protein change: p.Gly344fs; shifts the reading frame from glycine 344.
Molecular consequence: frameshift variant. On other transcripts: non-coding transcript variant (2).
Genome position (GRCh38, 1-based): chr8:38,245,924, G deleted; the last of 5 consecutive G bases (chr8:38,245,920-38,245,924); deleting any one gives the same sequence. VCF-style (leftmost placement, unchanged base first): chr8-38245919-AG-A. GRCh37 (hg19) VCF-style: chr8-38103437-AG-A.
Other names: c.1031del, p.Gly344fs (NM_001164232.2, NM_001362911.2, NM_001362912.2 and 1 more transcripts); c.941del, p.Gly314fs (NM_001362913.2); short protein forms G314fs, G344fs.
Identifiers: ClinVar variation 4813739 (VCV004813739.1).